The following is an entry in ClinVar:

ClinVar aggregate classification (germline): Likely benign (0 of 4 stars; one submission).

Conditions:
ZC3H4-related disorder. Also called: ZC3H4-related condition.

Allele frequency attached by ClinVar (database versions not stated): 1000 Genomes Project 0.00060; 1000 Genomes Project 30x 0.00078; TOPMed 0.00174; ESP Exome Variant Server 0.00266.
gnomAD v4.1: 5,187 of 1,611,482 alleles (0.32%); highest among the groups gnomAD compares: Non-Finnish European, 0.4%; 10 homozygotes.

Submission:

PreventionGenetics, part of Exact Sciences
Classification: Likely benign for ZC3H4-related condition. Last evaluated: 2020-01-03. Review status: no assertion criteria provided. Collection method: clinical testing. Allele origin: germline.
Comment: This variant is classified as likely benign based on ACMG/AMP sequence variant interpretation guidelines (Richards et al. 2015 PMID: 25741868, with internal and published modifications).

NM_015168.2(ZC3H4):c.3171C>T (p.Gly1057=)

Gene: ZC3H4 (zinc finger CCCH-type containing 4; minus strand). Cytogenetic location: 19q13.32.
Variant type: single nucleotide variant.
Coding change: c.3171C>T on transcript NM_015168.2 (MANE Select); coding-DNA position 3171, C replaced by T.
Protein change: p.Gly1057=; no amino-acid change (glycine 1057 retained).
Molecular consequence: synonymous variant.
Genome position (GRCh38, 1-based): chr19:47,067,097, G>A on the plus strand (C>T on the coding strand, the complement: ZC3H4 is on the minus strand). VCF-style: chr19-47067097-G-A. GRCh37 (hg19) VCF-style: chr19-47570354-G-A.
Identifiers: ClinVar variation 3044231 (VCV003044231.2), dbSNP rs200138538, ClinGen allele CA9534681.
Genomic context (GRCh38, chr19:47,067,097, plus strand): 5'-GGGGGCCTTCCGCACCCGGGGGTCACTGGGTTTGTCGCTGGAACCGGGGGCGGCCGAGGA[G>A]CCGGTGGCATTGACTGTCTTGAGGATGCGAGACAGAAGTTCAAAGTCGGGGAGGTTGGCG-3'
Protein context (NP_055983.1, residues 1047-1067): SRILKTVNAT[Gly1057=]SSAAPGSSDK